The following is an entry in ClinVar:

ClinVar aggregate classification (germline): Likely benign. Review status: criteria provided, multiple submitters, no conflicts (2 of 4 stars). 2 submissions from 2 submitters: Likely benign (2). Last evaluated 2025-10-13.

Conditions:
Hereditary orotic aciduria, type 1. Also called: Orotic aciduria type 1; Oroticaciduria 1. Identifiers: MedGen C0268130.

Allele frequency attached by ClinVar (database versions not stated): gnomAD exomes 0.00003; ExAC 0.00004; gnomAD 0.00005; TOPMed 0.00005; ESP Exome Variant Server 0.00008.
gnomAD v4.1: 63 of 1,614,014 alleles (0.0039%); highest among the groups gnomAD compares: East Asian, 0.016%; no homozygotes.

Submissions (2):

Mayo Clinic Laboratories, Mayo Clinic
Classification: Likely benign. Last evaluated: 2025-10-13. Review status: criteria provided, single submitter. Criteria: ACMG Guidelines, 2015. Collection method: clinical testing. Allele origin: germline. Observed: 1 variant allele.
Comment: BP4, BP7, PM2_supporting

Labcorp Genetics (formerly Invitae), Labcorp
Classification: Likely benign for Hereditary orotic aciduria, type 1. Last evaluated: 2022-12-08. Review status: criteria provided, single submitter. Criteria: Invitae Variant Classification Sherloc (09022015). Collection method: clinical testing. Allele origin: germline.

NM_000373.4(UMPS):c.1332C>T (p.Ser444=)

Gene: UMPS (uridine monophosphate synthetase; plus strand). Cytogenetic location: 3q21.2.
Variant type: single nucleotide variant.
Coding change: c.1332C>T on transcript NM_000373.4 (MANE Select); coding-DNA position 1332, C replaced by T.
Protein change: p.Ser444=; no amino-acid change (serine 444 retained).
Molecular consequence: synonymous variant. On other transcripts: non-coding transcript variant (2).
Genome position (GRCh38, 1-based): chr3:124,743,973, C>T. VCF-style: chr3-124743973-C-T. GRCh37 (hg19) VCF-style: chr3-124462820-C-T.
Other names: p.Ser444=.
Identifiers: ClinVar variation 2738881 (VCV002738881.4), dbSNP rs112541424, ClinGen allele CA2581879.